The following is an entry in ClinVar:

NM_018433.6(KDM3A):c.789G>A (p.Lys263=)

Gene: KDM3A (lysine demethylase 3A; plus strand). Cytogenetic location: 2p11.2.
Variant type: single nucleotide variant.
Coding change: c.789G>A on transcript NM_018433.6 (MANE Select); coding-DNA position 789, G replaced by A.
Protein change: p.Lys263=; no amino-acid change (lysine 263 retained).
Molecular consequence: synonymous variant.
Genome position (GRCh38, 1-based): chr2:86,457,017, G>A. VCF-style: chr2-86457017-G-A. GRCh37 (hg19) VCF-style: chr2-86684140-G-A.
Other names: c.789G>A, p.Lys263= (NM_001146688.2).
Identifiers: ClinVar variation 3056942 (VCV003056942.2), dbSNP rs112037053, ClinGen allele CA1749210.

ClinVar aggregate classification (germline): Likely benign (0 of 4 stars; one submission).

Conditions:
KDM3A-related disorder. Also called: KDM3A-related condition.

Allele frequency attached by ClinVar (database versions not stated): gnomAD exomes 0.00018; ExAC 0.00078; gnomAD 0.00194; TOPMed 0.00199; ESP Exome Variant Server 0.00231; 1000 Genomes Project 0.00379; 1000 Genomes Project 30x 0.00406.

Submission:

PreventionGenetics, part of Exact Sciences
Classification: Likely benign for KDM3A-related condition. Last evaluated: 2019-09-19. Review status: no assertion criteria provided. Collection method: clinical testing. Allele origin: germline.
Comment: This variant is classified as likely benign based on ACMG/AMP sequence variant interpretation guidelines (Richards et al. 2015 PMID: 25741868, with internal and published modifications).